The following is an entry in ClinVar:

NM_006514.4(SCN10A):c.1315A>G (p.Thr439Ala)

Gene: SCN10A (sodium voltage-gated channel alpha subunit 10; minus strand). Cytogenetic location: 3p22.2.
Variant type: single nucleotide variant.
Coding change: c.1315A>G on transcript NM_006514.4 (MANE Select); coding-DNA position 1315, A replaced by G.
Protein change: p.Thr439Ala; replaces threonine 439 with alanine.
Molecular consequence: missense variant.
Genome position (GRCh38, 1-based): chr3:38,755,934, T>C on the plus strand (A>G on the coding strand, the complement: SCN10A is on the minus strand). VCF-style: chr3-38755934-T-C. GRCh37 (hg19) VCF-style: chr3-38797425-T-C.
Other names: c.1315A>G, p.Thr439Ala (NM_001293306.2, NM_001293307.2); short protein forms T439A.
Identifiers: ClinVar variation 641772 (VCV000641772.10), dbSNP rs146536985, ClinGen allele CA2320891.

ClinVar aggregate classification (germline): Conflicting classifications of pathogenicity. Review status: criteria provided, conflicting classifications (1 of 4 stars). 5 submissions from 5 submitters: Uncertain significance (3); Likely benign (2). Last evaluated 2026-02-23.

Conditions:
Cardiovascular phenotype. Identifiers: MedGen CN230736.
Brugada syndrome. Also called: Sudden Unexplained Death Syndrome; Sudden Unexplained Nocturnal Death Syndrome (SUNDS); Sudden unexpected nocturnal death syndrome; Sudden unexplained nocturnal death syndrome. Identifiers: Orphanet 130, MedGen C1142166, MONDO:0015263.
Episodic pain syndrome, familial, 2 (FEPS2). Identifiers: Orphanet 306577, MedGen C3809893, MONDO:0014246, OMIM 615551.

Allele frequency attached by ClinVar (database versions not stated): gnomAD exomes 0.00004 and 0.00002; ExAC 0.00007; gnomAD 0.00013 and 0.00014; TOPMed 0.00017; ESP Exome Variant Server 0.00015.
gnomAD v4.1: 43 of 1,614,234 alleles (0.0027%); highest among the groups gnomAD compares: African/African-American, 0.049%; no homozygotes.

Submissions (5):

Women's Health and Genetics/Laboratory Corporation of America, LabCorp
Classification: Likely benign. Last evaluated: 2026-02-23. Review status: criteria provided, single submitter. Criteria: LabCorp Variant Classification Summary - May 2015. Collection method: clinical testing. Allele origin: germline.

Labcorp Genetics (formerly Invitae), Labcorp
Classification: Uncertain significance for Brugada syndrome. Last evaluated: 2026-01-14. Review status: criteria provided, single submitter. Criteria: Invitae Variant Classification Sherloc (09022015). Collection method: clinical testing. Allele origin: germline.
Comment: This sequence change replaces threonine, which is neutral and polar, with alanine, which is neutral and non-polar, at codon 439 of the SCN10A protein (p.Thr439Ala). This variant is present in population databases (rs146536985, gnomAD 0.05%). This variant has not been reported in the literature in individuals affected with SCN10A-related conditions. ClinVar contains an entry for this variant (Variation ID: 641772). Invitae Evidence Modeling of protein sequence and biophysical properties (such as structural, functional, and spatial information, amino acid conservation, physicochemical variation, residue mobility, and thermodynamic stability) indicates that this missense variant is not expected to disrupt SCN10A protein function with a negative predictive value of 80%. In summary, the available evidence is currently insufficient to determine the role of this variant in disease. Therefore, it has been classified as a Variant of Uncertain Significance.

GeneDx
Classification: Uncertain significance. Last evaluated: 2023-12-26. Review status: criteria provided, single submitter. Criteria: GeneDx Variant Classification Process June 2021. Collection method: clinical testing. Allele origin: germline.
Comment: Has not been previously published as pathogenic or benign to our knowledge; In silico analysis supports that this missense variant does not alter protein structure/function

Fulgent Genetics
Classification: Uncertain significance for Episodic pain syndrome, familial, 2. Last evaluated: 2022-02-11. Review status: criteria provided, single submitter. Criteria: ACMG Guidelines, 2015. Collection method: clinical testing. Allele origin: unknown.

Ambry Genetics
Classification: Likely benign for Cardiovascular phenotype. Last evaluated: 2020-01-14. Review status: criteria provided, single submitter. Criteria: Ambry Variant Classification Scheme 2023. Collection method: clinical testing. Allele origin: germline.